The following is an entry in ClinVar:

NM_001024845.3(SLC6A9):c.31-764_31-763del

Gene: SLC6A9 (solute carrier family 6 member 9; minus strand). Cytogenetic location: 1p34.1.
Variant type: Microsatellite.
Coding change: c.31-764_31-763del on transcript NM_001024845.3 (MANE Select); 764 bases into the intron before coding-DNA position 31 through 763 bases into the intron before coding-DNA position 31, 2 bases deleted (AG; older notation c.31-764_31-763delAG).
Molecular consequence: intron variant. On other transcripts: frameshift variant (1).
Genome position (GRCh38, 1-based): chr1:44,011,645-44,011,646, CT deleted on the plus strand (AG on the coding strand, the reverse complement: SLC6A9 is on the minus strand); deleting any 2 consecutive bases within chr1:44,011,645-44,011,648 gives the same sequence; the c. name uses the placement nearest the transcript's 3' end. VCF-style (leftmost placement, unchanged base first): chr1-44011644-ACT-A. GRCh37 (hg19) VCF-style: chr1-44477316-ACT-A.
Other names: c.164_165del, p.Glu55fs (NM_201649.4); c.-14-3023_-14-3022del (NM_001328630.2, NM_001328626.2); c.31-764_31-763del (NM_001328629.1); c.125-3023_125-3022del (NM_001328628.1); c.125-1550_125-1549del (NM_001328627.1); c.88-764_88-763del (NM_001261380.2, NM_006934.4); short protein forms E55fs.
Identifiers: ClinVar variation 2581302 (VCV002581302.1), dbSNP rs2086575319, ClinGen allele CA2473170904.

ClinVar aggregate classification (germline): Pathogenic (1 of 4 stars; one submission).

Conditions:
Atypical glycine encephalopathy. Also called: Glycine encephalopathy with normal serum glycine. Identifiers: Orphanet 289863, MedGen C4310943, MONDO:0015010, OMIM 617301.

Submission:

Women's Health and Genetics/Laboratory Corporation of America, LabCorp
Classification: Pathogenic for Atypical glycine encephalopathy. Last evaluated: 2023-08-22. Review status: criteria provided, single submitter. Criteria: LabCorp Variant Classification Summary - May 2015. Collection method: clinical testing. Allele origin: germline.
Comment: Variant summary: SLC6A9 c.164_165delAG (p.Glu55ValfsX167) results in a premature termination codon, predicted to cause a truncation of the encoded protein or absence of the protein due to nonsense mediated decay, which are commonly known mechanisms for disease. The variant was absent in 249496 control chromosomes. To our knowledge, no occurrence of c.164_165delAG in individuals affected with Atypical Glycine Encephalopathy and no experimental evidence demonstrating its impact on protein function have been reported. No submitters have cited clinical-significance assessments for this variant to ClinVar after 2014. Based on the evidence outlined above, the variant was classified as pathogenic.